The following is an entry in ClinVar:

NM_000057.4(BLM):c.3849G>A (p.Gln1283=)

Gene: BLM (BLM RecQ like helicase; plus strand). Cytogenetic location: 15q26.1.
Variant type: single nucleotide variant.
Coding change: c.3849G>A on transcript NM_000057.4 (MANE Select); coding-DNA position 3849, G replaced by A.
Protein change: p.Gln1283=; no amino-acid change (glutamine 1283 retained).
Molecular consequence: synonymous variant.
Genome position (GRCh38, 1-based): chr15:90,809,234, G>A. VCF-style: chr15-90809234-G-A. GRCh37 (hg19) VCF-style: chr15-91352464-G-A.
Other names: p.Gln1283=; c.3849G>A (LRG_20t1); c.3849G>A, p.Gln1283= (NM_001287246.2); c.3456G>A, p.Gln1152= (NM_001287247.2); c.2724G>A, p.Gln908= (NM_001287248.2).
Identifiers: ClinVar variation 236818 (VCV000236818.82), dbSNP rs140524886, ClinGen allele CA7739121.

ClinVar aggregate classification (germline): Conflicting classifications of pathogenicity. Review status: criteria provided, conflicting classifications (1 of 4 stars). 16 submissions from 16 submitters: Uncertain significance (3); Benign (4); Likely benign (7). 2 of the submissions do not count toward it. Last evaluated 2026-02-04.

Conditions:
Hereditary cancer-predisposing syndrome. Also called: Tumor predisposition; Hereditary Cancer Syndrome; Neoplastic Syndromes, Hereditary; Hereditary neoplastic syndrome. Identifiers: Orphanet 140162, MedGen C0027672, MeSH D009386, MONDO:0015356.
Bloom syndrome (BLM). Also called: Bloom-Torre-Machacek syndrome. Identifiers: Orphanet 125, MedGen C0005859, MONDO:0008876, OMIM 210900.

Allele frequency attached by ClinVar (database versions not stated): gnomAD 0.00122 and 0.00115; gnomAD exomes 0.00125; ExAC 0.00137; 1000 Genomes Project 30x 0.00094; TOPMed 0.00113; ESP Exome Variant Server 0.00077; 1000 Genomes Project 0.00080.
gnomAD v4.1: 2,690 of 1,614,214 alleles (0.17%); highest among the groups gnomAD compares: Non-Finnish European, 0.2%; 8 homozygotes.

Submissions (16):

Labcorp Genetics (formerly Invitae), Labcorp
Classification: Benign for Bloom syndrome. Last evaluated: 2026-02-04. Review status: criteria provided, single submitter. Criteria: Invitae Variant Classification Sherloc (09022015). Collection method: clinical testing. Allele origin: germline.

Quest Diagnostics Nichols Institute San Juan Capistrano
Classification: Benign. Last evaluated: 2025-10-28. Review status: criteria provided, single submitter. Criteria: Quest Diagnostics criteria. Collection method: clinical testing. Allele origin: unknown.

Mayo Clinic Laboratories, Mayo Clinic
Classification: Likely benign. Last evaluated: 2025-02-07. Review status: criteria provided, single submitter. Criteria: ACMG Guidelines, 2015. Collection method: clinical testing. Allele origin: germline. Observed: 1 variant allele.
Comment: BS1, BP4, BP7

Blueprint Genetics
Classification: Likely benign. Last evaluated: 2024-11-26. Review status: criteria provided, single submitter. Criteria: ACMG Guidelines, 2015. Collection method: clinical testing. Allele origin: germline.

CeGaT Center for Human Genetics Tuebingen
Classification: Likely benign. Last evaluated: 2024-07-01. Review status: criteria provided, single submitter. Criteria: CeGaT Center For Human Genetics Tuebingen Variant Classification Criteria Version 2. Collection method: clinical testing. Allele origin: germline. Affected: yes. Observed: 9 variant alleles.
Comment: BLM: BP4, BS2

KCCC/NGS Laboratory, Kuwait Cancer Control Center
Classification: Benign for Bloom syndrome. Last evaluated: 2023-07-07. Review status: criteria provided, single submitter. Criteria: ACMG Guidelines, 2015. Collection method: clinical testing. Allele origin: germline. Affected: yes.

Institute for Clinical Genetics, University Hospital TU Dresden, University Hospital TU Dresden
Classification: Uncertain significance. Last evaluated: 2021-11-03. Review status: criteria provided, single submitter. Criteria: ACMG Guidelines, 2015. Collection method: clinical testing. Allele origin: germline.

Genetic Services Laboratory, University of Chicago
Classification: Likely benign. Last evaluated: 2021-10-08. Review status: criteria provided, single submitter. Criteria: ACMG Guidelines, 2015. Collection method: clinical testing. Allele origin: germline. Affected: no.

Genome-Nilou Lab
Classification: Likely benign for Bloom syndrome. Last evaluated: 2021-05-18. Review status: criteria provided, single submitter. Criteria: ACMG Guidelines, 2015. Collection method: clinical testing. Allele origin: germline. Affected: no.

Sema4
Classification: Benign for Hereditary cancer-predisposing syndrome. Last evaluated: 2020-09-01. Review status: criteria provided, single submitter. Criteria: Sema4 Curation Guidelines. Collection method: curation. Allele origin: germline.

Women's Health and Genetics/Laboratory Corporation of America, LabCorp
Classification: Likely benign. Last evaluated: 2019-10-10. Review status: criteria provided, single submitter. Criteria: LabCorp Variant Classification Summary - May 2015. Collection method: clinical testing. Allele origin: germline.

Eurofins Ntd Llc (ga)
Classification: Uncertain significance. Last evaluated: 2018-04-05. Review status: criteria provided, single submitter. Criteria: EGL ClinVar v180209 classification definitions. Collection method: clinical testing. Allele origin: germline. Observed: 1 variant allele, 1 heterozygote.

Illumina Laboratory Services, Illumina
Classification: Uncertain significance for Bloom syndrome. Last evaluated: 2018-01-12. Review status: criteria provided, single submitter. Criteria: ICSL Variant Classification Criteria 13 December 2019. Collection method: clinical testing. Allele origin: germline.

Ambry Genetics
Classification: Likely benign for Hereditary cancer-predisposing syndrome. Last evaluated: 2016-09-15. Review status: criteria provided, single submitter. Criteria: Ambry Variant Classification Scheme 2023. Collection method: clinical testing. Allele origin: germline.

Natera, Inc.
Classification: Likely benign for Bloom syndrome. Last evaluated: 2017-04-25. Review status: no assertion criteria provided. Collection method: clinical testing. Allele origin: germline. Not counted in ClinVar's aggregate classification.

Clinical Genetics DNA and cytogenetics Diagnostics Lab, Erasmus MC, Erasmus Medical Center
Classification: Likely benign. Review status: no assertion criteria provided. Collection method: clinical testing. Allele origin: germline. Affected: yes. Study: VKGL Data-share Consensus. Not counted in ClinVar's aggregate classification.

Literature cited by the submitters: PubMed 28464862 (cited by Quest Diagnostics Nichols Institute San Juan Capistrano); PubMed 30306255 (cited by Quest Diagnostics Nichols Institute San Juan Capistrano).